The following is an entry in ClinVar:

NM_001162501.2(TNRC6B):c.3210A>C (p.Gly1070=)

Gene: TNRC6B (trinucleotide repeat containing adaptor 6B; plus strand). Cytogenetic location: 22q13.1.
Variant type: single nucleotide variant.
Coding change: c.3210A>C on transcript NM_001162501.2 (MANE Select); coding-DNA position 3210, A replaced by C.
Protein change: p.Gly1070=; no amino-acid change (glycine 1070 retained).
Molecular consequence: synonymous variant.
Genome position (GRCh38, 1-based): chr22:40,277,145, A>C. VCF-style: chr22-40277145-A-C. GRCh37 (hg19) VCF-style: chr22-40673149-A-C.
Other names: c.969A>C, p.Gly323= (NM_001024843.2); c.3051A>C, p.Gly1017= (NM_015088.3).
Identifiers: ClinVar variation 4535343 (VCV004535343.6).

ClinVar aggregate classification (germline): Likely benign (1 of 4 stars; one submission).

gnomAD v4.1: 3 of 1,606,512 alleles (0.00019%); highest among the groups gnomAD compares: Non-Finnish European, 0.00025%; no homozygotes.

Submission:

CeGaT Center for Human Genetics Tuebingen
Classification: Likely benign. Last evaluated: 2025-11-01. Review status: criteria provided, single submitter. Criteria: CeGaT Center For Human Genetics Tuebingen Variant Classification Criteria Version 2. Collection method: clinical testing. Allele origin: germline. Affected: yes. Observed: 1 variant allele.
Comment: TNRC6B: PM2:Supporting, BP4, BP7